The following is an entry in ClinVar:

NM_000292.3(PHKA2):c.899G>T (p.Gly300Val)

Gene: PHKA2 (phosphorylase kinase regulatory subunit alpha 2; minus strand). Cytogenetic location: Xp22.13.
Variant type: single nucleotide variant.
Coding change: c.899G>T on transcript NM_000292.3 (MANE Select); coding-DNA position 899, G replaced by T.
Protein change: p.Gly300Val; replaces glycine 300 with valine.
Molecular consequence: missense variant.
Genome position (GRCh38, 1-based): chrX:18,940,014, C>A on the plus strand (G>T on the coding strand, the complement: PHKA2 is on the minus strand). VCF-style: chrX-18940014-C-A. GRCh37 (hg19) VCF-style: chrX-18958132-C-A.
Other names: short protein forms G300V.
Identifiers: ClinVar variation 3724092 (VCV003724092.2).
Genomic context (GRCh38, chrX:18,940,014, plus strand): 5'-AAACAGTTGAGGAAAGATAAGAAACAATATTTAAATACAACCTCTCTTGGAGTTTTATAA[C>A]CATCTCGAAGGAAGCGACAGCATCCATAACGCCCCTAATAAGAGAAAGTACATTCGATGA-3'
Protein context (NP_000283.1, residues 290-310): RYGCCRFLRD[Gly300Val]YKTPREDPNR

ClinVar aggregate classification (germline): Uncertain significance (1 of 4 stars; one submission).

Conditions:
Glycogen storage disease IXa1. Also called: Glycogen storage disease 8; LIVER GLYCOGENOSIS, X-LINKED, TYPE I; GLYCOGEN STORAGE DISEASE VIII; GSD VIII. Identifiers: Orphanet 264580, MedGen C3694531, MONDO:0010598, OMIM 306000.

Submission:

Labcorp Genetics (formerly Invitae), Labcorp
Classification: Uncertain significance for Glycogen storage disease IXa1. Last evaluated: 2024-10-17. Review status: criteria provided, single submitter. Criteria: Invitae Variant Classification Sherloc (09022015). Collection method: clinical testing. Allele origin: germline.
Comment: This sequence change replaces glycine, which is neutral and non-polar, with valine, which is neutral and non-polar, at codon 300 of the PHKA2 protein (p.Gly300Val). This variant is not present in population databases (gnomAD no frequency). This missense change has been observed in individual(s) with glycogen storage disease (PMID: 21646031; internal data). Invitae Evidence Modeling of protein sequence and biophysical properties (such as structural, functional, and spatial information, amino acid conservation, physicochemical variation, residue mobility, and thermodynamic stability) indicates that this missense variant is not expected to disrupt PHKA2 protein function with a negative predictive value of 80%. This variant disrupts the p.Gly300 amino acid residue in PHKA2. Other variant(s) that disrupt this residue have been observed in individuals with PHKA2-related conditions (PMID: 21646031, 28627441), which suggests that this may be a clinically significant amino acid residue. In summary, the available evidence is currently insufficient to determine the role of this variant in disease. Therefore, it has been classified as a Variant of Uncertain Significance.

Literature cited by the submitters: PubMed 21646031; PubMed 28627441.